The following is an entry in ClinVar:

ClinVar aggregate classification (germline): Uncertain significance (1 of 4 stars; one submission).

Submission:

GeneDx
Classification: Uncertain significance. Last evaluated: 2019-03-15. Review status: criteria provided, single submitter. Criteria: GeneDx Variant Classification Process June 2021. Collection method: clinical testing. Allele origin: germline. Affected: yes.
Comment: Not observed in large population cohorts (Lek et al., 2016); In silico analysis, which includes protein predictors and evolutionary conservation, supports a deleterious effect; Has not been previously published as pathogenic or benign to our knowledge

NM_000218.3(KCNQ1):c.1529A>C (p.His510Pro)

Gene: KCNQ1 (potassium voltage-gated channel subfamily Q member 1; plus strand). Cytogenetic location: 11p15.5.
Variant type: single nucleotide variant.
Coding change: c.1529A>C on transcript NM_000218.3 (MANE Select); coding-DNA position 1529, A replaced by C.
Protein change: p.His510Pro; replaces histidine 510 with proline.
Molecular consequence: missense variant.
Genome position (GRCh38, 1-based): chr11:2,768,858, A>C. VCF-style: chr11-2768858-A-C. GRCh37 (hg19) VCF-style: chr11-2790088-A-C.
Other names: c.1433A>C, p.His478Pro (NM_001406836.1); c.1259A>C, p.His420Pro (NM_001406837.1); c.989A>C, p.His330Pro (NM_001406838.1); c.1148A>C, p.His383Pro (NM_181798.2); short protein forms H383P, H510P, H420P, H478P, H330P.
Identifiers: ClinVar variation 1308222 (VCV001308222.4), dbSNP rs1322261590, ClinGen allele CA379138920.